The following is an entry in ClinVar:

ClinVar aggregate classification (germline): Uncertain significance (1 of 4 stars; one submission).

Submission:

Women's Health and Genetics/Laboratory Corporation of America, LabCorp
Classification: Uncertain significance. Last evaluated: 2026-04-30. Review status: criteria provided, single submitter. Criteria: LabCorp Variant Classification Summary - May 2015. Collection method: clinical testing. Allele origin: germline.
Comment: Variant summary: SCN11A c.1447G>C (p.Asp483His) results in a non-conservative amino acid change in the encoded protein sequence. Algorithms developed to predict the effect of missense changes on protein structure and function are either unavailable or do not agree on the potential impact of this missense change. The variant was absent in 243694 control chromosomes. The available data on variant occurrences in the general population are insufficient to allow any conclusion about variant significance. To our knowledge, no occurrence of c.1447G>C in individuals affected with SCN11A-related conditions and no experimental evidence demonstrating its impact on protein function have been reported. No submitters have cited clinical-significance assessments for this variant to ClinVar. Based on the evidence outlined above, the variant was classified as uncertain significance.

NM_001349253.2(SCN11A):c.1447G>C (p.Asp483His)

Gene: SCN11A (sodium voltage-gated channel alpha subunit 11; minus strand). Cytogenetic location: 3p22.2.
Variant type: single nucleotide variant.
Coding change: c.1447G>C on transcript NM_001349253.2 (MANE Select); coding-DNA position 1447, G replaced by C.
Protein change: p.Asp483His; replaces aspartic acid 483 with histidine.
Molecular consequence: missense variant.
Genome position (GRCh38, 1-based): chr3:38,907,975, C>G on the plus strand (G>C on the coding strand, the complement: SCN11A is on the minus strand). VCF-style: chr3-38907975-C-G. GRCh37 (hg19) VCF-style: chr3-38949466-C-G.
Other names: c.1447G>C, p.Asp483His (NM_014139.3); short protein forms D483H.
Identifiers: ClinVar variation 4848924 (VCV004848924.1).